The following is an entry in ClinVar:

NM_000261.2(MYOC):c.821C>G (p.Pro274Arg)

Gene: MYOC (myocilin; minus strand). Cytogenetic location: 1q24.3.
Variant type: single nucleotide variant.
Coding change: c.821C>G on transcript NM_000261.2 (MANE Select); coding-DNA position 821, C replaced by G.
Protein change: p.Pro274Arg; replaces proline 274 with arginine.
Molecular consequence: missense variant.
Genome position (GRCh38, 1-based): chr1:171,636,619, G>C on the plus strand (C>G on the coding strand, the complement: MYOC is on the minus strand). VCF-style: chr1-171636619-G-C. GRCh37 (hg19) VCF-style: chr1-171605759-G-C.
Other names: NM_000261.2:c.821C>G; short protein forms P274R.
Identifiers: ClinVar variation 2429760 (VCV002429760.2), dbSNP rs769245094, ClinGen allele CA343725980.
Genomic context (GRCh38, chr1:171,636,619, plus strand): 5'-TCCGTGCCAACTGTGTCGATTCTCCACGTGGTCTCCTGGGTGTAGGGGTAGGTGGGCTTG[G>C]GGTCTCGCATCCACACACCATACTTGCCAGTAATTGTTTCTGCTGTTCTCAGCGTGAGAG-3'
Protein context (NP_000252.1, residues 264-284): TGKYGVWMRD[Pro274Arg]KPTYPYTQET

ClinVar aggregate classification (germline): Likely pathogenic (3 of 4 stars; one submission).

Conditions:
Open-angle glaucoma. Identifiers: MedGen C0017612, MONDO:0005338, HP:0012108.

Submission:

ClinGen Glaucoma Variant Curation Expert Panel
Classification: Likely pathogenic for Open-angle glaucoma. Last evaluated: 2026-02-18. Review status: reviewed by expert panel. Criteria: ClinGen Glaucoma ACMG Specifications V2.0.0 Approved. Collection method: curation. Allele origin: germline. Inheritance: Autosomal dominant inheritance.
Comment: The c.821C>G variant in MYOC is a missense variant predicted to cause substitution of Proline by Arginine at amino acid 274 (p.Pro274Arg). This variant was not found in any genetic ancestry group of gnomAD (v4.1.0), meeting the ≤ 0.0001 threshold set for PM2_Supporting in a genetic ancestry group of at least 10,000 alleles. The REVEL score = 0.949, which met the ≥ 0.932 threshold for PP3_Strong, predicting a damaging effect on MYOC function. There was no functional evidence predicting a damaging or benign impact of this variant on MYOC function. 6 segregations in 1 family, with juvenile or primary open angle glaucoma (JOAG or POAG), have been reported (PMID: 15255110), which fulfilled PP1_Moderate (5-6 meioses). Only 1 proband with JOAG had been reported (PMID: 15255110), not meeting the ≥ 2 probands threshold required to meet PS4_Supporting. In summary, this variant met the criteria to receive a score of 7 and to be classified as likely pathogenic (likely pathogenic classification range 6 to 9, adapted from PMID: 32720330) for juvenile open angle glaucoma based on the ACMG/AMP criteria met, as specified by the ClinGen Glaucoma VCEP (v2.0.0, 5 Dec 2024): PP3_Strong, PP1_Moderate, PM2_Supporting